The following is an entry in ClinVar:

ClinVar aggregate classification (germline): Likely benign. Review status: criteria provided, multiple submitters, no conflicts (2 of 4 stars). 3 submissions from 3 submitters: Likely benign (3). Last evaluated 2025-06-19.

Conditions:
Familial sleep-related hypermotor epilepsy. Also called: Autosomal Dominant Sleep-Related Hypermotor (Hyperkinetic) Epilepsy. Identifiers: Orphanet 98784, MedGen C3696898, MONDO:0000030.

gnomAD v4.1: 3 of 1,542,558 alleles (0.00019%); no homozygotes.

Submissions (3):

Labcorp Genetics (formerly Invitae), Labcorp
Classification: Likely benign. Last evaluated: 2025-06-19. Review status: criteria provided, single submitter. Criteria: Invitae Variant Classification Sherloc (09022015). Collection method: clinical testing. Allele origin: germline.

CeGaT Center for Human Genetics Tuebingen
Classification: Likely benign. Last evaluated: 2024-12-01. Review status: criteria provided, single submitter. Criteria: CeGaT Center For Human Genetics Tuebingen Variant Classification Criteria Version 2. Collection method: clinical testing. Allele origin: germline. Affected: yes. Observed: 1 variant allele.
Comment: CHRNB2: BP4, BP7

Blueprint Genetics
Classification: Likely benign. Last evaluated: 2023-05-11. Review status: criteria provided, single submitter. Criteria: ACMG Guidelines, 2015. Collection method: clinical testing. Allele origin: germline.

NM_000748.3(CHRNB2):c.1140A>G (p.Glu380=)

Gene: CHRNB2 (cholinergic receptor nicotinic beta 2 subunit; plus strand). Cytogenetic location: 1q21.3.
Variant type: single nucleotide variant.
Coding change: c.1140A>G on transcript NM_000748.3 (MANE Select); coding-DNA position 1140, A replaced by G.
Protein change: p.Glu380=; no amino-acid change (glutamic acid 380 retained).
Molecular consequence: synonymous variant.
Genome position (GRCh38, 1-based): chr1:154,571,963, A>G. VCF-style: chr1-154571963-A-G. GRCh37 (hg19) VCF-style: chr1-154544439-A-G.
Identifiers: ClinVar variation 1973864 (VCV001973864.19), dbSNP rs1212391512, ClinGen allele CA421231500.